The following is an entry in ClinVar:

NM_012123.4(MTO1):c.1789C>T (p.Gln597Ter)

Gene: MTO1 (mitochondrial tRNA translation optimization 1; plus strand). Cytogenetic location: 6q13.
Variant type: single nucleotide variant.
Coding change: c.1789C>T on transcript NM_012123.4 (MANE Select); coding-DNA position 1789, C replaced by T.
Protein change: p.Gln597Ter; replaces glutamine 597 with a stop codon.
Molecular consequence: nonsense.
Genome position (GRCh38, 1-based): chr6:73,497,768, C>T. VCF-style: chr6-73497768-C-T. GRCh37 (hg19) VCF-style: chr6-74207491-C-T.
Other names: c.1909C>T, p.Gln637Ter (NM_001123226.2); c.1864C>T, p.Gln622Ter (NM_133645.3); short protein forms Q622*, Q637*, Q597*.
Identifiers: ClinVar variation 1420202 (VCV001420202.6), dbSNP rs2150044955, ClinGen allele CA364700821.

ClinVar aggregate classification (germline): Pathogenic (1 of 4 stars; one submission).

Conditions:
Mitochondrial hypertrophic cardiomyopathy with lactic acidosis due to MTO1 deficiency. Also called: CARDIOMYOPATHY, INFANTILE HYPERTROPHIC MITOCHONDRIAL, AND LACTIC ACIDOSIS; Combined oxidative phosphorylation deficiency 10. Identifiers: Orphanet 314637, MedGen C4749921, MONDO:0013865, OMIM 614702.

gnomAD v4.1: 3 of 1,613,836 alleles (0.00019%); highest among the groups gnomAD compares: Non-Finnish European, 0.00025%; no homozygotes.

Submission:

Labcorp Genetics (formerly Invitae), Labcorp
Classification: Pathogenic for Mitochondrial hypertrophic cardiomyopathy with lactic acidosis due to MTO1 deficiency. Last evaluated: 2024-04-22. Review status: criteria provided, single submitter. Criteria: Invitae Variant Classification Sherloc (09022015). Collection method: clinical testing. Allele origin: germline.
Comment: This sequence change creates a premature translational stop signal (p.Gln597*) in the MTO1 gene. It is expected to result in an absent or disrupted protein product. Loss-of-function variants in MTO1 are known to be pathogenic (PMID: 22608499, 25058219). This variant is not present in population databases (gnomAD no frequency). This variant has not been reported in the literature in individuals affected with MTO1-related conditions. ClinVar contains an entry for this variant (Variation ID: 1420202). Algorithms developed to predict the effect of sequence changes on RNA splicing suggest that this variant may disrupt the consensus splice site. For these reasons, this variant has been classified as Pathogenic.

Literature cited by the submitters: PubMed 22608499; PubMed 25058219.